The following is an entry in ClinVar:

ClinVar aggregate classification (germline): Benign. Review status: criteria provided, multiple submitters, no conflicts (2 of 4 stars). 5 submissions from 5 submitters: Benign (5). Last evaluated 2026-02-02.

Conditions:
Cardiovascular phenotype. Identifiers: MedGen CN230736.
Hypertrophic cardiomyopathy. Also called: HYPERTROPHIC MYOCARDIOPATHY. Identifiers: Orphanet 217569, MedGen C0007194, MeSH D002312, MONDO:0005045, HP:0001639.

Allele frequency attached by ClinVar (database versions not stated): gnomAD exomes 0.00155 and 0.00406; ExAC 0.00496; ESP Exome Variant Server 0.01544; gnomAD 0.01642 and 0.01756; TOPMed 0.01812; 1000 Genomes Project 30x 0.02014; 1000 Genomes Project 0.02017.
gnomAD v4.1: 4,884 of 1,613,796 alleles (0.3%); highest among the groups gnomAD compares: African/African-American, 5.6%; 123 homozygotes.

Submissions (5):

Labcorp Genetics (formerly Invitae), Labcorp
Classification: Benign for Hypertrophic cardiomyopathy. Last evaluated: 2026-02-02. Review status: criteria provided, single submitter. Criteria: Invitae Variant Classification Sherloc (09022015). Collection method: clinical testing. Allele origin: germline.

GeneDx
Classification: Benign. Last evaluated: 2021-05-06. Review status: criteria provided, single submitter. Criteria: GeneDx Variant Classification Process June 2021. Collection method: clinical testing. Allele origin: germline. Affected: yes.

Laboratory for Molecular Medicine, Mass General Brigham Personalized Medicine
Classification: Benign. Last evaluated: 2014-11-24. Review status: criteria provided, single submitter. Criteria: LMM Criteria. Collection method: clinical testing. Allele origin: germline. Observed: 3 variant alleles.
Comment: Glu600Val in exon 12 of MYOM1: This variant is not expected to have clinical sig nificance because it has been identified in 4.9% (184/3786) of African American chromosomes from a broad population by the NHLBI Exome Sequencing Project (dbSNP rs9807556).

Ambry Genetics
Classification: Benign for Cardiovascular phenotype. Last evaluated: 2013-02-26. Review status: criteria provided, single submitter. Criteria: Ambry Autosomal Dominant and X-Linked criteria (10/2015). Collection method: clinical testing. Allele origin: germline. Observed: 1 variant allele.
Comment: General population or subpopulation frequency is too high to be a pathogenic mutation based on disease/syndrome prevalence and penetrance

Breakthrough Genomics
Classification: Benign. Review status: criteria provided, single submitter. Criteria: ACMG Guidelines, 2015. Collection method: not provided. Allele origin: germline. Inheritance: Unknown mechanism. Affected: yes.

NM_003803.4(MYOM1):c.1799A>T (p.Glu600Val)

Gene: MYOM1 (myomesin 1; minus strand). Cytogenetic location: 18p11.31.
Variant type: single nucleotide variant.
Coding change: c.1799A>T on transcript NM_003803.4 (MANE Select); coding-DNA position 1799, A replaced by T.
Protein change: p.Glu600Val; replaces glutamic acid 600 with valine.
Molecular consequence: missense variant.
Genome position (GRCh38, 1-based): chr18:3,151,738, T>A on the plus strand (A>T on the coding strand, the complement: MYOM1 is on the minus strand). VCF-style: chr18-3151738-T-A. GRCh37 (hg19) VCF-style: chr18-3151736-T-A.
Other names: c.1799A>T, p.Glu600Val (NM_019856.2); short protein forms E600V.
Identifiers: ClinVar variation 226803 (VCV000226803.20), dbSNP rs9807556, ClinGen allele CA8874851.